The following is an entry in ClinVar:

NM_032043.3(BRIP1):c.2821A>G (p.Ile941Val)

Gene: BRIP1 (BRCA1 interacting DNA helicase 1; minus strand). Cytogenetic location: 17q23.2.
Variant type: single nucleotide variant.
Coding change: c.2821A>G on transcript NM_032043.3 (MANE Select); coding-DNA position 2821, A replaced by G.
Protein change: p.Ile941Val; replaces isoleucine 941 with valine.
Molecular consequence: missense variant.
Genome position (GRCh38, 1-based): chr17:61,685,920, T>C on the plus strand (A>G on the coding strand, the complement: BRIP1 is on the minus strand). VCF-style: chr17-61685920-T-C. GRCh37 (hg19) VCF-style: chr17-59763281-T-C.
Other names: short protein forms I941V.
Identifiers: ClinVar variation 1489762 (VCV001489762.9), dbSNP rs2144110175, ClinGen allele CA400481454.

ClinVar aggregate classification (germline): Uncertain significance (1 of 4 stars; one submission).

Conditions:
Fanconi anemia complementation group J. Also called: BRIP1-Related Fanconi Anemia. Identifiers: Orphanet 84, MedGen C1836860, MONDO:0012187, OMIM 609054.
Familial cancer of breast. Also called: BREAST CANCER, FAMILIAL; Hereditary breast cancer; hereditary breast carcinoma. Identifiers: Orphanet 227535, MedGen C0346153, MONDO:0016419, OMIM 114480. Disease mechanism: loss of function.

Submission:

Labcorp Genetics (formerly Invitae), Labcorp
Classification: Uncertain significance for Familial cancer of breast; Fanconi anemia complementation group J. Last evaluated: 2022-08-09. Review status: criteria provided, single submitter. Criteria: Invitae Variant Classification Sherloc (09022015). Collection method: clinical testing. Allele origin: germline.
Comment: In summary, the available evidence is currently insufficient to determine the role of this variant in disease. Therefore, it has been classified as a Variant of Uncertain Significance. This sequence change replaces isoleucine, which is neutral and non-polar, with valine, which is neutral and non-polar, at codon 941 of the BRIP1 protein (p.Ile941Val). Algorithms developed to predict the effect of sequence changes on RNA splicing suggest that this variant may disrupt the consensus splice site. Algorithms developed to predict the effect of missense changes on protein structure and function output the following: SIFT: "Tolerated"; PolyPhen-2: "Benign"; Align-GVGD: "Class C0". The valine amino acid residue is found in multiple mammalian species, which suggests that this missense change does not adversely affect protein function. ClinVar contains an entry for this variant (Variation ID: 1489762). This variant has not been reported in the literature in individuals affected with BRIP1-related conditions. This variant is not present in population databases (gnomAD no frequency).